The following is an entry in ClinVar:

ClinVar aggregate classification (germline): Uncertain significance (1 of 4 stars; one submission).

Conditions:
CHARGE syndrome (CHARGE). Also called: Hittner Hirsch Kreh syndrome; CHARGE ASSOCIATION--COLOBOMA, HEART ANOMALY, CHOANAL ATRESIA, RETARDATION, GENITAL AND EAR ANOMALIES; Coloboma, heart anomaly, choanal atresia, retardation, genital and ear anomalies; CHARGE association; Hall-Hittner syndrome. Identifiers: Orphanet 138, MedGen C0265354, MONDO:0008965.

Allele frequency attached by ClinVar (database versions not stated): gnomAD exomes below 0.00001.
gnomAD v4.1: 1 of 1,612,746 alleles (0.000062%); highest among the groups gnomAD compares: South Asian, 0.0011%; no homozygotes.

Submission:

Labcorp Genetics (formerly Invitae), Labcorp
Classification: Uncertain significance for CHARGE syndrome. Last evaluated: 2023-07-14. Review status: criteria provided, single submitter. Criteria: Invitae Variant Classification Sherloc (09022015). Collection method: clinical testing. Allele origin: germline.
Comment: This variant has not been reported in the literature in individuals affected with SEMA3E-related conditions. ClinVar contains an entry for this variant (Variation ID: 1398982). An algorithm developed to predict the effect of missense changes on protein structure and function (PolyPhen-2) suggests that this variant is likely to be disruptive. In summary, the available evidence is currently insufficient to determine the role of this variant in disease. Therefore, it has been classified as a Variant of Uncertain Significance. This sequence change replaces aspartic acid, which is acidic and polar, with asparagine, which is neutral and polar, at codon 311 of the SEMA3E protein (p.Asp311Asn). This variant is present in population databases (no rsID available, gnomAD 0.003%).

NM_012431.3(SEMA3E):c.931G>A (p.Asp311Asn)

Gene: SEMA3E (semaphorin 3E; minus strand). Cytogenetic location: 7q21.11.
Variant type: single nucleotide variant.
Coding change: c.931G>A on transcript NM_012431.3 (MANE Select); coding-DNA position 931, G replaced by A.
Protein change: p.Asp311Asn; replaces aspartic acid 311 with asparagine.
Molecular consequence: missense variant.
Genome position (GRCh38, 1-based): chr7:83,405,517, C>T on the plus strand (G>A on the coding strand, the complement: SEMA3E is on the minus strand). VCF-style: chr7-83405517-C-T. GRCh37 (hg19) VCF-style: chr7-83034833-C-T.
Other names: c.751G>A, p.Asp251Asn (NM_001178129.2); short protein forms D311N, D251N.
Identifiers: ClinVar variation 1398982 (VCV001398982.8), dbSNP rs1478459253, ClinGen allele CA367929506.